The following is an entry in ClinVar:

NM_000875.5(IGF1R):c.3830T>A (p.Val1277Asp)

Gene: IGF1R (insulin like growth factor 1 receptor; plus strand). Cytogenetic location: 15q26.3.
Variant type: single nucleotide variant.
Coding change: c.3830T>A on transcript NM_000875.5 (MANE Select); coding-DNA position 3830, T replaced by A.
Protein change: p.Val1277Asp; replaces valine 1277 with aspartic acid.
Molecular consequence: missense variant.
Genome position (GRCh38, 1-based): chr15:98,957,168, T>A. VCF-style: chr15-98957168-T-A. GRCh37 (hg19) VCF-style: chr15-99500397-T-A.
Other names: c.3827T>A, p.Val1276Asp (NM_001291858.2); short protein forms V1276D, V1277D.
Identifiers: ClinVar variation 5017050 (VCV005017050.1).

ClinVar aggregate classification (germline): Uncertain significance (1 of 4 stars; one submission).

Submission:

GeneDx
Classification: Uncertain significance. Last evaluated: 2026-03-27. Review status: criteria provided, single submitter. Criteria: GeneDx Variant Classification Process June 2021. Collection method: clinical testing. Allele origin: germline.
Comment: Not observed at significant frequency in large population cohorts (gnomAD); In silico analysis supports that this missense variant has a deleterious effect on protein structure/function; Has not been previously reported as pathogenic or benign in association with IGF1R-related disorders to our knowledge; This variant is associated with the following publications: (PMID: 31576058)